The following is an entry in ClinVar:

NM_018122.5(DARS2):c.1762C>A (p.Leu588Met)

Gene: DARS2 (aspartyl-tRNA synthetase 2, mitochondrial; plus strand). Cytogenetic location: 1q25.1.
Variant type: single nucleotide variant.
Coding change: c.1762C>A on transcript NM_018122.5 (MANE Select); coding-DNA position 1762, C replaced by A.
Protein change: p.Leu588Met; replaces leucine 588 with methionine.
Molecular consequence: missense variant.
Genome position (GRCh38, 1-based): chr1:173,857,529, C>A. VCF-style: chr1-173857529-C-A. GRCh37 (hg19) VCF-style: chr1-173826667-C-A.
Other names: c.1609C>A, p.Leu537Met (NM_001365212.1); short protein forms L537M, L588M.
Identifiers: ClinVar variation 4774503 (VCV004774503.2).

ClinVar aggregate classification (germline): Uncertain significance. Review status: criteria provided, multiple submitters, no conflicts (2 of 4 stars). 2 submissions from 2 submitters: Uncertain significance (2). Last evaluated 2025-11-21.

gnomAD v4.1: 1 of 1,613,948 alleles (0.000062%); highest among the groups gnomAD compares: African/African-American, 0.0013%; no homozygotes.

Submissions (2):

Labcorp Genetics (formerly Invitae), Labcorp
Classification: Uncertain significance. Last evaluated: 2025-11-21. Review status: criteria provided, single submitter. Criteria: Invitae Variant Classification Sherloc (09022015). Collection method: clinical testing. Allele origin: germline.
Comment: This sequence change replaces leucine, which is neutral and non-polar, with methionine, which is neutral and non-polar, at codon 588 of the DARS2 protein (p.Leu588Met). This variant is present in population databases (no rsID available, gnomAD 0.01%). This variant has not been reported in the literature in individuals affected with DARS2-related conditions. Invitae Evidence Modeling of protein sequence and biophysical properties (such as structural, functional, and spatial information, amino acid conservation, physicochemical variation, residue mobility, and thermodynamic stability) has been performed for this missense variant. However, the output from this modeling did not meet the statistical confidence thresholds required to predict the impact of this variant on DARS2 protein function. This variant disrupts the p.Leu588 amino acid residue in DARS2. Other variant(s) that disrupt this residue have been determined to be pathogenic (PMID: 30352563, 33977142). This suggests that this residue is clinically significant, and that variants that disrupt this residue are likely to be disease-causing. In summary, the available evidence is currently insufficient to determine the role of this variant in disease. Therefore, it has been classified as a Variant of Uncertain Significance.

Blueprint Genetics
Classification: Uncertain significance. Last evaluated: 2022-10-26. Review status: criteria provided, single submitter. Criteria: ACMG Guidelines, 2015. Collection method: clinical testing. Allele origin: germline.

Literature cited by the submitters: PubMed 30352563 (cited by Labcorp Genetics (formerly Invitae), Labcorp); PubMed 33977142 (cited by Labcorp Genetics (formerly Invitae), Labcorp).